The following is an entry in ClinVar:

NM_006947.4(SRP72):c.692A>G (p.Gln231Arg)

Gene: SRP72 (signal recognition particle 72; plus strand). Cytogenetic location: 4q12.
Variant type: single nucleotide variant.
Coding change: c.692A>G on transcript NM_006947.4 (MANE Select); coding-DNA position 692, A replaced by G.
Protein change: p.Gln231Arg; replaces glutamine 231 with arginine.
Molecular consequence: missense variant. On other transcripts: non-coding transcript variant (1), intron variant (1).
Genome position (GRCh38, 1-based): chr4:56,478,428, A>G. VCF-style: chr4-56478428-A-G. GRCh37 (hg19) VCF-style: chr4-57344594-A-G.
Other names: c.642+1726A>G (NM_001267722.2); short protein forms Q231R.
Identifiers: ClinVar variation 3962124 (VCV003962124.1).

ClinVar aggregate classification (germline): Uncertain significance (1 of 4 stars; one submission).

Submission:

Ambry Genetics
Classification: Uncertain significance. Last evaluated: 2025-05-25. Review status: criteria provided, single submitter. Criteria: Ambry Variant Classification Scheme 2023. Collection method: clinical testing. Allele origin: germline.
Comment: The p.Q231R variant (also known as c.692A>G), located in coding exon 7 of the SRP72 gene, results from an A to G substitution at nucleotide position 692. The glutamine at codon 231 is replaced by arginine, an amino acid with highly similar properties. This amino acid position is conserved. In addition, this alteration is predicted to be deleterious by in silico analysis. Based on the available evidence, the clinical significance of this variant remains unclear.